The following is an entry in ClinVar:

NM_006231.4(POLE):c.2864+1G>T

Gene: POLE (DNA polymerase epsilon, catalytic subunit; minus strand). Cytogenetic location: 12q24.33.
Variant type: single nucleotide variant.
Coding change: c.2864+1G>T on transcript NM_006231.4 (MANE Select); the canonical splice donor site of the intron after coding-DNA position 2864, G replaced by T.
Molecular consequence: splice donor variant.
Genome position (GRCh38, 1-based): chr12:132,661,526, C>A on the plus strand (G>T on the coding strand, the complement: POLE is on the minus strand). VCF-style: chr12-132661526-C-A. GRCh37 (hg19) VCF-style: chr12-133238112-C-A.
Identifiers: ClinVar variation 2121543 (VCV002121543.4), dbSNP rs2135947998, ClinGen allele CA387393516.

ClinVar aggregate classification (germline): Likely pathogenic (1 of 4 stars; one submission).

Submission:

Labcorp Genetics (formerly Invitae), Labcorp
Classification: Likely pathogenic. Last evaluated: 2022-05-12. Review status: criteria provided, single submitter. Criteria: Invitae Variant Classification Sherloc (09022015). Collection method: clinical testing. Allele origin: germline.
Comment: In summary, the currently available evidence indicates that the variant is pathogenic, but additional data are needed to prove that conclusively. Therefore, this variant has been classified as Likely Pathogenic. Studies have shown that disruption of this splice site results in activation of a cryptic splice site and introduces a premature termination codon (Invitae). The resulting mRNA is expected to undergo nonsense-mediated decay. This variant has not been reported in the literature in individuals affected with POLE-related conditions. This variant is not present in population databases (gnomAD no frequency). This sequence change affects a donor splice site in intron 24 of the POLE gene. RNA analysis indicates that disruption of this splice site induces altered splicing and may result in an absent or disrupted protein product.